The following is an entry in ClinVar:

ClinVar aggregate classification (germline): Likely benign. Review status: criteria provided, multiple submitters, no conflicts (2 of 4 stars). 3 submissions from 3 submitters: Likely benign (3). Last evaluated 2025-04-10.

Conditions:
Familial thoracic aortic aneurysm and aortic dissection (TAAD). Also called: Thoracic aortic aneurysms and dissections. Identifiers: Orphanet 91387, MedGen C4707243, MONDO:0019625.
Adams-Oliver syndrome 5 (AOS5). Identifiers: Orphanet 974, MedGen C4014970, MONDO:0014459, OMIM 616028.

Allele frequency attached by ClinVar (database versions not stated): gnomAD exomes below 0.00001 and 0.00002; ExAC 0.00001; gnomAD 0.00001.

Submissions (3):

Ambry Genetics
Classification: Likely benign for Familial thoracic aortic aneurysm and aortic dissection. Last evaluated: 2025-04-10. Review status: criteria provided, single submitter. Criteria: Ambry Variant Classification Scheme 2023. Collection method: clinical testing. Allele origin: germline.

Labcorp Genetics (formerly Invitae), Labcorp
Classification: Likely benign for Adams-Oliver syndrome 5. Last evaluated: 2025-03-18. Review status: criteria provided, single submitter. Criteria: Invitae Variant Classification Sherloc (09022015). Collection method: clinical testing. Allele origin: germline.

CeGaT Center for Human Genetics Tuebingen
Classification: Likely benign. Last evaluated: 2024-01-01. Review status: criteria provided, single submitter. Criteria: CeGaT Center For Human Genetics Tuebingen Variant Classification Criteria Version 2. Collection method: clinical testing. Allele origin: germline. Affected: yes. Observed: 1 variant allele.
Comment: NOTCH1: BP4, BP7

NM_017617.5(NOTCH1):c.4662C>T (p.Cys1554=)

Gene: NOTCH1 (notch receptor 1; minus strand). Cytogenetic location: 9q34.3.
Variant type: single nucleotide variant.
Coding change: c.4662C>T on transcript NM_017617.5 (MANE Select); coding-DNA position 4662, C replaced by T.
Protein change: p.Cys1554=; no amino-acid change (cysteine 1554 retained).
Molecular consequence: synonymous variant.
Genome position (GRCh38, 1-based): chr9:136,505,029, G>A on the plus strand (C>T on the coding strand, the complement: NOTCH1 is on the minus strand). VCF-style: chr9-136505029-G-A. GRCh37 (hg19) VCF-style: chr9-139399481-G-A.
Other names: c.4662C>T (NM_017617.3).
Identifiers: ClinVar variation 1399059 (VCV001399059.28), dbSNP rs756662728, ClinGen allele CA5340543.
Genomic context (GRCh38, chr9:136,505,029, plus strand): 5'-CAGCGTGCCGGCCGCCAGCCTCTCGGGTACATGCTCCGCACAGTCCAGCCCGTCCCACTC[G>A]CACTCCGCGCTGTTGCAGCCCTGGTCGCAGTGCCCGTCGCTGAAGTGGTCCTTGCAGTAC-3'
Protein context (NP_060087.3, residues 1544-1564): HCDQGCNSAE[Cys1554=]EWDGLDCAEH